The following is an entry in ClinVar:

ClinVar aggregate classification (germline): Pathogenic. Review status: criteria provided, multiple submitters, no conflicts (2 of 4 stars). 6 submissions from 6 submitters: Pathogenic (4). 2 of the submissions do not count toward it. Last evaluated 2026-07-01.

Conditions:
Glycogen storage disease, type II (IOPD). Also called: Glycogen storage disease type 2; Acid maltase deficiency disease; Aglucosidase alfa; Deficiency of alpha-glucosidase; Deficiency of lysosomal alpha-glucosidase; POMPE DISEASE, INFANTILE-ONSET. Identifiers: Orphanet 365, MedGen C0017921, MONDO:0009290, OMIM 232300.

Submissions (6):

Genomenon, Inc
Classification: Pathogenic for Glycogen storage disease, type II. Last evaluated: 2026-07-01. Review status: criteria provided, single submitter. Criteria: Genomenon Sequence Variant Interpretation Standards - Updated. Collection method: curation. Allele origin: germline. Affected: yes.
Comment: GAA p.Asp489ArgfsTer17 (c.1464dup) is a frameshift variant that is predicted to introduce a premature termination codon and result in a truncated or absent protein product. This variant has been observed in at least one proband with a GAA-related disorder (PMID:33168984). Functional studies have been reported (PMID:33168984). It is absent or not present at a significant frequency in gnomAD. In conclusion, we classify GAA p.Asp489ArgfsTer17 (c.1464dup) as a pathogenic variant.

First Genomix Gene Laboratory, Genetic Diagnostics Department
Classification: Pathogenic for Glycogen storage disease, type II. Last evaluated: 2025-09-02. Review status: criteria provided, single submitter. Criteria: ACMG Guidelines, 2015. Collection method: clinical testing. Allele origin: germline. Inheritance: Autosomal recessive inheritance. Affected: no. Observed: 1 variant allele.

Labcorp Genetics (formerly Invitae), Labcorp
Classification: Pathogenic for Glycogen storage disease, type II. Last evaluated: 2024-07-10. Review status: criteria provided, single submitter. Criteria: Invitae Variant Classification Sherloc (09022015). Collection method: clinical testing. Allele origin: germline.
Comment: This sequence change creates a premature translational stop signal (p.Asp489Argfs*17) in the GAA gene. It is expected to result in an absent or disrupted protein product. Loss-of-function variants in GAA are known to be pathogenic (PMID: 18425781, 22252923). This variant is not present in population databases (gnomAD no frequency). This premature translational stop signal has been observed in individual(s) with Pompe disease (PMID: 33168984). ClinVar contains an entry for this variant (Variation ID: 860774). For these reasons, this variant has been classified as Pathogenic.

3billion
Classification: Pathogenic for Glycogen storage disease, type II. Last evaluated: 2022-01-03. Review status: criteria provided, single submitter. Criteria: ACMG Guidelines, 2015. Collection method: clinical testing. Allele origin: germline. Affected: yes. Observed: 1 heterozygote.
Comment: Frameshift: predicted to result in a loss or disruption of normal protein function through nonsense-mediated decay (NMD) or protein truncation. Multiple pathogenic variants are reported downstream of the variant (PVS1_VS). It is not observed in the gnomAD v2.1.1 dataset (PM2_M). The variant has been reported to be associated with GAA related disorder (ClinVar ID: VCV000860774). Therefore, this variant is classified as pathogenic according to the recommendation of ACMG/AMP guideline.

Clinical Genetics DNA and cytogenetics Diagnostics Lab, Erasmus MC, Erasmus Medical Center
Classification: Pathogenic. Review status: no assertion criteria provided. Collection method: clinical testing. Allele origin: germline. Affected: yes. Study: VKGL Data-share Consensus. Not counted in ClinVar's aggregate classification.

Joint Genome Diagnostic Labs from Nijmegen and Maastricht, Radboudumc and MUMC+
Classification: Likely pathogenic. Review status: no assertion criteria provided. Collection method: clinical testing. Allele origin: germline. Affected: yes. Study: VKGL Data-share Consensus. Not counted in ClinVar's aggregate classification.

Literature cited by the submitters: PubMed 33168984 (cited by Genomenon, Inc and Labcorp Genetics (formerly Invitae), Labcorp); PubMed 18425781 (cited by Labcorp Genetics (formerly Invitae), Labcorp); PubMed 22252923 (cited by Labcorp Genetics (formerly Invitae), Labcorp).

NM_000152.5(GAA):c.1464dup (p.Asp489fs)

Gene: GAA (alpha glucosidase; plus strand). Cytogenetic location: 17q25.3.
Variant type: Duplication.
Coding change: c.1464dup on transcript NM_000152.5 (MANE Select); coding-DNA position 1464, one base duplicated (C; older notation c.1464dupC).
Protein change: p.Asp489fs; shifts the reading frame from aspartic acid 489.
Molecular consequence: frameshift variant.
Genome position (GRCh38, 1-based): chr17:80,110,753, C duplicated; the last of 4 consecutive C bases (chr17:80,110,750-80,110,753); duplicating any one gives the same sequence. VCF-style (leftmost placement, unchanged base first): chr17-80110749-T-TC. GRCh37 (hg19) VCF-style: chr17-78084548-T-TC.
Other names: c.1464dup, p.Asp489fs (NM_001079803.3, NM_001079804.3); short protein forms D489fs.
Identifiers: ClinVar variation 860774 (VCV000860774.13), dbSNP rs2039213824, ClinGen allele CA916082444.